The following is an entry in ClinVar:

ClinVar aggregate classification (germline): Likely pathogenic (1 of 4 stars; one submission).

Conditions:
Hypotonia, hypoventilation, impaired intellectual development, dysautonomia, epilepsy, and eye abnormalities. Also called: HYPOTONIA, HYPERVENTILATION, IMPAIRED INTELLECTUAL DEVELOPMENT, DYSAUTONOMIA, EPILEPSY, AND EYE ABNORMALITIES. Identifiers: MedGen C5193124, MONDO:0032780, OMIM 618493.

Submission:

Solve-RD Consortium
Classification: Likely pathogenic for Hypotonia, hypoventilation, impaired intellectual development, dysautonomia, epilepsy, and eye abnormalities. Review status: criteria provided, single submitter. Criteria: ACMG Guidelines, 2015. Collection method: provider interpretation. Allele origin: germline. Inheritance: Autosomal recessive inheritance. Affected: yes. Study: Solve-RD DIFT-EpiCARE reanalysis.
Comment: PM3, PM2, PP3

Variant identified during reanalysis of unsolved cases by the Solve-RD project. The Solve-RD project has received funding from the European Union’s Horizon 2020 research and innovation programme under grant agreement No 779257.

NM_177939.3(P4HTM):c.1082C>T (p.Thr361Ile)

Gene: P4HTM (prolyl 4-hydroxylase, transmembrane; plus strand). Cytogenetic location: 3p21.31.
Variant type: single nucleotide variant.
Coding change: c.1082C>T on transcript NM_177939.3 (MANE Select); coding-DNA position 1082, C replaced by T.
Protein change: p.Thr361Ile; replaces threonine 361 with isoleucine.
Molecular consequence: missense variant.
Genome position (GRCh38, 1-based): chr3:49,005,785, C>T. VCF-style: chr3-49005785-C-T. GRCh37 (hg19) VCF-style: chr3-49043218-C-T.
Other names: c.1265C>T, p.Thr422Ile (NM_177938.2); short protein forms T361I, T422I.
Identifiers: ClinVar variation 4890774 (VCV004890774.1).